The following is an entry in ClinVar:

ClinVar aggregate classification (germline): Uncertain significance (1 of 4 stars; one submission).

Conditions:
Hereditary cancer-predisposing syndrome. Also called: Neoplastic Syndromes, Hereditary; Tumor predisposition; Hereditary Cancer Syndrome; Hereditary neoplastic syndrome. Identifiers: Orphanet 140162, MedGen C0027672, MeSH D009386, MONDO:0015356.

Submission:

Ambry Genetics
Classification: Uncertain significance for Hereditary cancer-predisposing syndrome. Last evaluated: 2020-01-04. Review status: criteria provided, single submitter. Criteria: Ambry Variant Classification Scheme 2023. Collection method: clinical testing. Allele origin: germline.
Comment: The p.E2534Q variant (also known as c.7600G>C), located in coding exon 15 of the APC gene, results from a G to C substitution at nucleotide position 7600. The glutamic acid at codon 2534 is replaced by glutamine, an amino acid with highly similar properties. This amino acid position is highly conserved in available vertebrate species. In addition, in silico predictors for this gene do not accurately predict pathogenicity. Since supporting evidence is limited at this time, the clinical significance of this alteration remains unclear.

NM_000038.6(APC):c.7600G>C (p.Glu2534Gln)

Gene: APC (APC regulator of Wnt signaling pathway; plus strand). Cytogenetic location: 5q22.2.
Variant type: single nucleotide variant.
Coding change: c.7600G>C on transcript NM_000038.6 (MANE Select); coding-DNA position 7600, G replaced by C.
Protein change: p.Glu2534Gln; replaces glutamic acid 2534 with glutamine.
Molecular consequence: missense variant.
Genome position (GRCh38, 1-based): chr5:112,843,194, G>C. VCF-style: chr5-112843194-G-C. GRCh37 (hg19) VCF-style: chr5-112178891-G-C.
Other names: c.7600G>C, p.Glu2534Gln (NM_001127510.3, NM_001354895.2, NM_001407450.1); c.7546G>C, p.Glu2516Gln (NM_001127511.3); c.7654G>C, p.Glu2552Gln (NM_001354896.2, NM_001407447.1, NM_001407448.1 and 1 more transcripts); c.7630G>C, p.Glu2544Gln (NM_001354897.2); c.7525G>C, p.Glu2509Gln (NM_001354898.2); c.7516G>C, p.Glu2506Gln (NM_001354899.2); c.7477G>C, p.Glu2493Gln (NM_001354900.2); c.7423G>C, p.Glu2475Gln (NM_001354901.2, NM_001407453.1); and 11 more; short protein forms E2251Q, E2374Q, E2516Q, E2524Q, E2562Q, E2150Q, E2433Q, E2443Q.
Identifiers: ClinVar variation 1759762 (VCV001759762.2), dbSNP rs1336219978, ClinGen allele CA16037840.
Genomic context (GRCh38, chr5:112,843,194, plus strand): 5'-ACTATAGAGTATAATGATGGAAGACCAGCAAAGCGCCATGATATTGCACGGTCTCATTCT[G>C]AAAGTCCTTCTAGACTTCCAATCAATAGGTCAGGAACCTGGAAACGTGAGCACAGCAAAC-3'
Protein context (NP_000029.2, residues 2524-2544): KRHDIARSHS[Glu2534Gln]SPSRLPINRS